The following is an entry in ClinVar:

NM_182914.3(SYNE2):c.20216G>A (p.Arg6739His)

Gene: SYNE2 (spectrin repeat containing nuclear envelope protein 2; plus strand). Cytogenetic location: 14q23.2.
Variant type: single nucleotide variant.
Coding change: c.20216G>A on transcript NM_182914.3 (MANE Select); coding-DNA position 20216, G replaced by A.
Protein change: p.Arg6739His; replaces arginine 6739 with histidine.
Molecular consequence: missense variant.
Genome position (GRCh38, 1-based): chr14:64,223,214, G>A. VCF-style: chr14-64223214-G-A. GRCh37 (hg19) VCF-style: chr14-64689932-G-A.
Other names: c.20147G>A, p.Arg6716His (NM_015180.6); c.782G>A, p.Arg261His (NM_182910.2); c.1160G>A, p.Arg387His (NM_182913.4); short protein forms R6739H, R261H, R387H, R6716H.
Identifiers: ClinVar variation 538339 (VCV000538339.12), dbSNP rs532853602, ClinGen allele CA7224791.
Genomic context (GRCh38, chr14:64,223,214, plus strand): 5'-CAGGTCACTGTTTCACACACTTTATCTGTTTTCAGCAACTGGAAAAGGAGCTGGTAGAAC[G>A]TCAACCTCAAGTGGACATGTTACAGGAGATTTCAAACAGCCTTCTCATTAAGGGACATGG-3'
Protein context (NP_878918.2, residues 6729-6749): LMQLEKELVE[Arg6739His]QPQVDMLQEI

ClinVar aggregate classification (germline): Uncertain significance. Review status: criteria provided, single submitter (1 of 4 stars). 2 submissions from 2 submitters: Uncertain significance (1). 1 of the submissions does not count toward it. Last evaluated 2025-12-03.

Conditions:
Emery-Dreifuss muscular dystrophy 5, autosomal dominant (EDMD5). Also called: EMERY-DREIFUSS MUSCULAR DYSTROPHY 5. Identifiers: Orphanet 261, MedGen C2751805, MONDO:0013072, OMIM 612999.

Allele frequency attached by ClinVar (database versions not stated): gnomAD 0.00001 and 0.00005; ExAC 0.00008; 1000 Genomes Project 0.00020; 1000 Genomes Project 30x 0.00031.
gnomAD v4.1: 78 of 1,613,960 alleles (0.0048%); highest among the groups gnomAD compares: South Asian, 0.077%; no homozygotes.

Submissions (2):

Labcorp Genetics (formerly Invitae), Labcorp
Classification: Uncertain significance for Emery-Dreifuss muscular dystrophy 5, autosomal dominant. Last evaluated: 2025-12-03. Review status: criteria provided, single submitter. Criteria: Invitae Variant Classification Sherloc (09022015). Collection method: clinical testing. Allele origin: germline.
Comment: This sequence change replaces arginine, which is basic and polar, with histidine, which is basic and polar, at codon 6739 of the SYNE2 protein (p.Arg6739His). This variant is present in population databases (rs532853602, gnomAD 0.07%), and has an allele count higher than expected for a pathogenic variant. This variant has not been reported in the literature in individuals affected with SYNE2-related conditions. ClinVar contains an entry for this variant (Variation ID: 538339). An algorithm developed to predict the effect of missense changes on protein structure and function outputs the following: PolyPhen-2: "Benign". The histidine amino acid residue is found in multiple mammalian species, which suggests that this missense change does not adversely affect protein function. In summary, the available evidence is currently insufficient to determine the role of this variant in disease. Therefore, it has been classified as a Variant of Uncertain Significance.

Hong-Tao Li Lab, Institute of Brain Science and Brain-inspired Research, Shandong First Medical University & Shandong Academy of Medical Sciences China
Classification: Uncertain significance for Emery-Dreifuss muscular dystrophy 5, autosomal dominant. Review status: no assertion criteria provided. Collection method: research. Allele origin: germline. Inheritance: Autosomal dominant inheritance. Affected: yes. Observed: 1 variant allele, 1 heterozygote. Not counted in ClinVar's aggregate classification.
Comment: Observed in affected individuals from a Pakistani neurodevelopmental-disorder research cohort of 263 individuals. Classification assigned using the ACMG/AMP framework. Population-frequency evidence: gnomAD AF 8.484e-05.